The following is an entry in ClinVar:

ClinVar aggregate classification (germline): Uncertain significance (1 of 4 stars; one submission).

Allele frequency attached by ClinVar (database versions not stated): gnomAD exomes 0.00001.
gnomAD v4.1: 4 of 1,535,098 alleles (0.00026%); highest among the groups gnomAD compares: Admixed American, 0.002%; no homozygotes.

Submission:

Labcorp Genetics (formerly Invitae), Labcorp
Classification: Uncertain significance. Last evaluated: 2023-05-26. Review status: criteria provided, single submitter. Criteria: Invitae Variant Classification Sherloc (09022015). Collection method: clinical testing. Allele origin: germline.
Comment: In summary, the available evidence is currently insufficient to determine the role of this variant in disease. Therefore, it has been classified as a Variant of Uncertain Significance. Algorithms developed to predict the effect of missense changes on protein structure and function output the following: SIFT: "Not Available"; PolyPhen-2: "Benign"; Align-GVGD: "Not Available". The arginine amino acid residue is found in multiple mammalian species, which suggests that this missense change does not adversely affect protein function. This variant has not been reported in the literature in individuals affected with RNF213-related conditions. This variant is present in population databases (no rsID available, gnomAD 0.004%). This sequence change replaces lysine, which is basic and polar, with arginine, which is basic and polar, at codon 1357 of the RNF213 protein (p.Lys1357Arg).

NM_001256071.3(RNF213):c.4070A>G (p.Lys1357Arg)

Gene: RNF213 (ring finger protein 213; plus strand). Cytogenetic location: 17q25.3.
Variant type: single nucleotide variant.
Coding change: c.4070A>G on transcript NM_001256071.3 (MANE Select); coding-DNA position 4070, A replaced by G.
Protein change: p.Lys1357Arg; replaces lysine 1357 with arginine.
Molecular consequence: missense variant.
Genome position (GRCh38, 1-based): chr17:80,332,558, A>G. VCF-style: chr17-80332558-A-G. GRCh37 (hg19) VCF-style: chr17-78306358-A-G.
Other names: c.4217A>G, p.Lys1406Arg (NM_001410195.1, NM_020914.5); short protein forms K1406R, K1357R.
Identifiers: ClinVar variation 2779520 (VCV002779520.3), dbSNP rs1438231945, ClinGen allele CA401382256.
Genomic context (GRCh38, chr17:80,332,558, plus strand): 5'-AGGACCGAGTCGAACAGATCAAGGAATACCATCACCTGCACCAGGCTGTCCACGCAGCCA[A>G]GGTCATCTTGCAGGTCAAAGAGAGCCTGGGACTGAACGGTGACTTCAGTGTTCTCAACAC-3'
Protein context (NP_001243000.2, residues 1347-1367): HHLHQAVHAA[Lys1357Arg]VILQVKESLG